The following is an entry in ClinVar:

ClinVar aggregate classification (germline): Uncertain significance. Review status: criteria provided, multiple submitters, no conflicts (2 of 4 stars). 9 submissions from 7 submitters: Uncertain significance (9). Last evaluated 2026-01-26.

Conditions:
Cardiovascular phenotype. Identifiers: MedGen CN230736.
Cardiomyopathy (CMYO). Also called: Cardiomyopathies. Identifiers: Orphanet 167848, MedGen C0878544, MONDO:0004994, HP:0001638. Inheritance: Various modes of inheritance.
Cardiomyopathy, familial restrictive, 3. Identifiers: Orphanet 75249, MedGen C2676271, MONDO:0012900, OMIM 612422.
Dilated cardiomyopathy 1D. Identifiers: Orphanet 154, Orphanet 54260, MedGen C1832243, MONDO:0011095, OMIM 601494.
Hypertrophic cardiomyopathy 2. Also called: TNNT2-Related Familial Hypertrophic Cardiomyopathy. Identifiers: MedGen C1861864, MONDO:0007266, OMIM 115195.

Allele frequency attached by ClinVar (database versions not stated): gnomAD exomes below 0.00001; TOPMed 0.00002; gnomAD 0.00004.

Submissions (9):

Labcorp Genetics (formerly Invitae), Labcorp
Classification: Uncertain significance for Cardiomyopathy, familial restrictive, 3; Hypertrophic cardiomyopathy 2; Dilated cardiomyopathy 1D. Last evaluated: 2026-01-26. Review status: criteria provided, single submitter. Criteria: Invitae Variant Classification Sherloc (09022015). Collection method: clinical testing. Allele origin: germline.
Comment: This sequence change replaces glutamic acid, which is acidic and polar, with lysine, which is basic and polar, at codon 226 of the TNNT2 protein (p.Glu226Lys). This variant is present in population databases (rs730881107, gnomAD 0.03%). This variant has not been reported in the literature in individuals affected with TNNT2-related conditions. ClinVar contains an entry for this variant (Variation ID: 181626). Invitae Evidence Modeling of protein sequence and biophysical properties (such as structural, functional, and spatial information, amino acid conservation, physicochemical variation, residue mobility, and thermodynamic stability) indicates that this missense variant is not expected to disrupt TNNT2 protein function with a negative predictive value of 80%. In summary, the available evidence is currently insufficient to determine the role of this variant in disease. Therefore, it has been classified as a Variant of Uncertain Significance.

Ambry Genetics
Classification: Uncertain significance for Cardiovascular phenotype. Last evaluated: 2025-05-27. Review status: criteria provided, single submitter. Criteria: Ambry Variant Classification Scheme 2023. Collection method: clinical testing. Allele origin: germline.
Comment: The p.E226K variant (also known as c.676G>A), located in coding exon 12 of the TNNT2 gene, results from a G to A substitution at nucleotide position 676. The glutamic acid at codon 226 is replaced by lysine, an amino acid with similar properties. This amino acid position is highly conserved in available vertebrate species. In addition, this alteration is predicted to be deleterious by in silico analysis. Since supporting evidence is limited at this time, the clinical significance of this alteration remains unclear.

Molecular Diagnostic Laboratory for Inherited Cardiovascular Disease, Montreal Heart Institute
Classification: Uncertain significance for Cardiovascular phenotype. Last evaluated: 2025-04-09. Review status: criteria provided, single submitter. Criteria: ACMG Guidelines, 2015. Collection method: clinical testing. Allele origin: germline. Affected: yes.
Comment: PM2, PP2, PP3, BP5

All of Us Research Program, National Institutes of Health
Classification: Uncertain significance for Cardiomyopathy. Last evaluated: 2024-07-10. Review status: criteria provided, single submitter. Criteria: ACMG Guidelines, 2015. Collection method: clinical testing. Allele origin: germline. Inheritance: Autosomal dominant inheritance. Observed: 4 variant alleles, 4 heterozygotes.
Comment: This missense variant replaces glutamic acid with lysine at codon 226 of the TNNT2 protein. Computational prediction suggests that this variant may have deleterious impact on protein structure and function (internally defined REVEL score threshold >= 0.7, PMID: 27666373). To our knowledge, functional studies have not been reported for this variant. This variant has not been reported in individuals affected with cardiovascular disorders in the literature. This variant has been identified in 3/31392 chromosomes in the general population by the Genome Aggregation Database (gnomAD). The available evidence is insufficient to determine the role of this variant in disease conclusively. Therefore, this variant is classified as a Variant of Uncertain Significance.

This study involves interpretation of variants in research participants for the purpose of population health screening. Participant phenotype was not available at the time of variant classification. Additional details can be found in publication PMID: 35346344, PMCID: PMC8962531

Color Diagnostics, LLC DBA Color Health
Classification: Uncertain significance for Cardiomyopathy. Last evaluated: 2024-06-20. Review status: criteria provided, single submitter. Criteria: ACMG Guidelines, 2015. Collection method: clinical testing. Allele origin: germline.
Comment: This missense variant replaces glutamic acid with lysine at codon 226 of the TNNT2 protein. Computational prediction tools indicate that this variant has a deleterious impact on protein structure and function. To our knowledge, functional studies have not been reported for this variant. This variant has not been reported in individuals affected with TNNT2-related disorders in the literature. This variant has been identified in 3/31392 chromosomes in the general population by the Genome Aggregation Database (gnomAD). The available evidence is insufficient to determine the role of this variant in disease conclusively. Therefore, this variant is classified as a Variant of Uncertain Significance.

Genome-Nilou Lab
Classification: Uncertain significance for Dilated cardiomyopathy 1D. Last evaluated: 2023-04-11. Review status: criteria provided, single submitter. Criteria: ACMG Guidelines, 2015. Collection method: clinical testing. Allele origin: germline. Affected: no.

Genome-Nilou Lab
Classification: Uncertain significance for Cardiomyopathy, familial restrictive, 3. Last evaluated: 2023-04-11. Review status: criteria provided, single submitter. Criteria: ACMG Guidelines, 2015. Collection method: clinical testing. Allele origin: germline. Affected: no.

Genome-Nilou Lab
Classification: Uncertain significance for Hypertrophic cardiomyopathy 2. Last evaluated: 2023-04-11. Review status: criteria provided, single submitter. Criteria: ACMG Guidelines, 2015. Collection method: clinical testing. Allele origin: germline. Affected: no.

GeneDx
Classification: Uncertain significance. Last evaluated: 2021-05-14. Review status: criteria provided, single submitter. Criteria: GeneDx Variant Classification Process June 2021. Collection method: clinical testing. Allele origin: germline. Affected: yes.
Comment: Has not been previously published as pathogenic or benign to our knowledge; Reported in ClinVar as a variant of uncertain significance (ClinVar Variant ID# 181626; Landrum et al., 2016); In silico analysis supports that this missense variant has a deleterious effect on protein structure/function

NM_001276345.2(TNNT2):c.706G>A (p.Glu236Lys)

Gene: TNNT2 (troponin T2, cardiac type; minus strand). Cytogenetic location: 1q32.1.
Variant type: single nucleotide variant.
Coding change: c.706G>A on transcript NM_001276345.2 (MANE Select); coding-DNA position 706, G replaced by A.
Protein change: p.Glu236Lys; replaces glutamic acid 236 with lysine.
Molecular consequence: missense variant.
Genome position (GRCh38, 1-based): chr1:201,361,926, C>T on the plus strand (G>A on the coding strand, the complement: TNNT2 is on the minus strand). VCF-style: chr1-201361926-C-T. GRCh37 (hg19) VCF-style: chr1-201331054-C-T.
Other names: p.E226K:GAA>AAA; c.697G>A, p.Glu233Lys (NM_000364.4); c.676G>A, p.Glu226Lys (NM_001001430.3, NM_001276347.2); c.667G>A, p.Glu223Lys (NM_001001431.3); c.658G>A, p.Glu220Lys (NM_001001432.3); c.577G>A, p.Glu193Lys (NM_001276346.2); short protein forms E226K, E233K, E220K, E223K, E236K, E193K.
Identifiers: ClinVar variation 181626 (VCV000181626.19), dbSNP rs730881107, ClinGen allele CA004944.